The following is an entry in ClinVar:

NM_000179.3(MSH6):c.2027A>G (p.Lys676Arg)

Gene: MSH6 (mutS homolog 6; plus strand). Cytogenetic location: 2p16.3.
Variant type: single nucleotide variant.
Coding change: c.2027A>G on transcript NM_000179.3 (MANE Select); coding-DNA position 2027, A replaced by G.
Protein change: p.Lys676Arg; replaces lysine 676 with arginine.
Molecular consequence: missense variant.
Genome position (GRCh38, 1-based): chr2:47,800,010, A>G. VCF-style: chr2-47800010-A-G. GRCh37 (hg19) VCF-style: chr2-48027149-A-G.
Other names: p.K676R:AAA>AGA; c.1637A>G, p.Lys546Arg (NM_001281492.2); c.1121A>G, p.Lys374Arg (NM_001281493.2, NM_001281494.2); short protein forms K676R, K546R, K374R.
Identifiers: ClinVar variation 142496 (VCV000142496.36), dbSNP rs143643688, ClinGen allele CA009570.

ClinVar aggregate classification (germline): Conflicting classifications of pathogenicity. Review status: criteria provided, conflicting classifications (1 of 4 stars). 12 submissions from 12 submitters: Uncertain significance (5); Likely benign (4). 3 of the submissions do not count toward it. Last evaluated 2026-02-03.

Conditions:
Hereditary nonpolyposis colorectal neoplasms. Identifiers: MedGen C0009405, MeSH D003123.
MSH6-related disorder. Also called: MSH6-Related disorders; MSH6-related condition.
Hereditary cancer-predisposing syndrome. Also called: Hereditary Cancer Syndrome; Neoplastic Syndromes, Hereditary; Hereditary neoplastic syndrome; Tumor predisposition. Identifiers: Orphanet 140162, MedGen C0027672, MeSH D009386, MONDO:0015356.
Lynch syndrome. Identifiers: Orphanet 144, MedGen C4552100, MONDO:0005835. Disease mechanism: loss of function.
Lynch syndrome 5 (LYNCH5). Also called: Colorectal cancer, hereditary nonpolyposis, type 5; Hereditary non-polyposis colorectal cancer, type 5. Identifiers: Orphanet 144, MedGen C1833477, MONDO:0013710, OMIM 614350. Disease mechanism: loss of function.
Endometrial carcinoma. Also called: Endometrial carcinoma, somatic. Identifiers: MedGen C0476089, MONDO:0002447, OMIM 608089, HP:0012114.

Allele frequency attached by ClinVar (database versions not stated): gnomAD 0.00001; ExAC 0.00003; TOPMed 0.00003; gnomAD exomes 0.00006; ESP Exome Variant Server 0.00008.
gnomAD v4.1: 88 of 1,613,986 alleles (0.0055%); highest among the groups gnomAD compares: Non-Finnish European, 0.0069%; no homozygotes.

Submissions (12):

Labcorp Genetics (formerly Invitae), Labcorp
Classification: Likely benign for Hereditary nonpolyposis colorectal neoplasms. Last evaluated: 2026-02-03. Review status: criteria provided, single submitter. Criteria: Invitae Variant Classification Sherloc (09022015). Collection method: clinical testing. Allele origin: germline.

Women's Health and Genetics/Laboratory Corporation of America, LabCorp
Classification: Uncertain significance. Last evaluated: 2025-07-24. Review status: criteria provided, single submitter. Criteria: LabCorp Variant Classification Summary - May 2015. Collection method: clinical testing. Allele origin: germline.
Comment: Variant summary: MSH6 c.2027A>G (p.Lys676Arg) results in a conservative amino acid change in the encoded protein sequence. Algorithms developed to predict the effect of missense changes on protein structure and function are either unavailable or do not agree on the potential impact of this missense change. The variant allele was found at a frequency of 5.6e-05 in 250818 control chromosomes, predominantly at a frequency of 0.00011 within the Non-Finnish European subpopulation in the gnomAD database. This frequency is not significantly higher than estimated for a pathogenic variant in MSH6 causing Lynch Syndrome (5.6e-05 vs 0.00014), allowing no conclusion about variant significance. c.2027A>G has been observed in individual(s) affected with Breast cancer and pancreatic cancer (Bhai_2021, Dorling_2021, Grant_2015, Tung_2015). These report(s) do not provide unequivocal conclusions about association of the variant with Lynch Syndrome. To our knowledge, no experimental evidence demonstrating an impact on protein function has been reported. The following publications have been ascertained in the context of this evaluation (PMID: 34326862, 25479140, 25186627, 33471991). ClinVar contains an entry for this variant (Variation ID: 142496). Based on the evidence outlined above, the variant was classified as uncertain significance.

Myriad Genetics, Inc.
Classification: Likely benign for Lynch syndrome 5. Last evaluated: 2024-12-30. Review status: criteria provided, single submitter. Criteria: Myriad Autosomal Dominant, Autosomal Recessive and X-Linked Classification Criteria (2023). Collection method: clinical testing. Allele origin: unknown.
Comment: This variant is considered likely benign. This variant is strongly associated with less severe personal and family histories of cancer, typical for individuals without pathogenic variants in this gene [PMID: 27363726].

GeneDx
Classification: Uncertain significance. Last evaluated: 2024-12-29. Review status: criteria provided, single submitter. Criteria: GeneDx Variant Classification Process June 2021. Collection method: clinical testing. Allele origin: germline. Affected: yes.
Comment: In silico analysis indicates that this missense variant does not alter protein structure/function; Observed in individuals with a personal or family history of breast and/or pancreatic cancer (PMID: 25479140, 25186627, 33471991, 34326862); This variant is associated with the following publications: (PMID: 23621914, 25186627, 25479140, 33471991, 34326862, 17531815, 21120944)

ARUP Laboratories, Molecular Genetics and Genomics, ARUP Laboratories
Classification: Uncertain significance. Last evaluated: 2024-11-06. Review status: criteria provided, single submitter. Criteria: ARUP Molecular Germline Variant Investigation Process 2024. Collection method: clinical testing. Allele origin: germline.
Comment: The MSH6 c.2027A>G; p.Lys676Arg variant (rs143643688, ClinVar Variation ID: 142496) is reported in the literature in individuals affected with breast or pancreatic cancer (Grant 2015, Tung 2015) and in an individual in a cancer screen cohort (Bhai 2021). This variant is found in the non-Finnish European population with an allele frequency of 0.01% (13/128,614 alleles) in the Genome Aggregation Database (v2.1.1). Computational analyses are uncertain whether this variant is neutral or deleterious (REVEL: 0.273). Due to limited information, the clinical significance of this variant is uncertain at this time. References: Bhai P et al. Analysis of Sequence and Copy Number Variants in Canadian Patient Cohort With Familial Cancer Syndromes Using a Unique Next Generation Sequencing Based Approach. Front Genet. 2021 Jul 13;12:698595. PMID: 34326862. Grant RC et al. Prevalence of germline mutations in cancer predisposition genes in patients with pancreatic cancer. Gastroenterology. 2015 Mar;148(3):556-64. PMID: 25479140. Tung N et al. Frequency of mutations in individuals with breast cancer referred for BRCA1 and BRCA2 testing using next-generation sequencing with a 25-gene panel. Cancer. 2015 Jan 1;121(1):25-33. PMID: 25186627.

Color Diagnostics, LLC DBA Color Health
Classification: Likely benign for Hereditary cancer-predisposing syndrome. Last evaluated: 2024-10-02. Review status: criteria provided, single submitter. Criteria: ACMG Guidelines, 2015. Collection method: clinical testing. Allele origin: germline.

Baylor Genetics
Classification: Uncertain significance for Endometrial carcinoma. Last evaluated: 2024-03-14. Review status: criteria provided, single submitter. Criteria: ACMG Guidelines, 2015. Collection method: clinical testing. Allele origin: unknown.

Sema4
Classification: Uncertain significance for Hereditary cancer-predisposing syndrome. Last evaluated: 2021-11-15. Review status: criteria provided, single submitter. Criteria: Sema4 Curation Guidelines. Collection method: curation. Allele origin: germline.
Comment: The MSH6 c.2027A>G (p.K676R) variant has been reported in heterozygosity in at least six individuals with breast cancer (PMID: 25186627, 33471991), as well as one individual with pancreatic cancer (PMID: 25479140). This variant was observed in 13/128614 chromosomes in the Non-Finnish European population, with no homozygotes, according to the Genome Aggregation Database (PMID: 32461654). This variant has been reported in ClinVar (Variation ID: 142496). Functional studies have not been performed, and in silico predictions of the variant's effect on protein function are inconclusive. Based on the current evidence available, this variant is interpreted as a variant of uncertain significance.

Ambry Genetics
Classification: Likely benign for Hereditary cancer-predisposing syndrome. Last evaluated: 2019-04-09. Review status: criteria provided, single submitter. Criteria: Ambry Variant Classification Scheme 2023. Collection method: clinical testing. Allele origin: germline.

PreventionGenetics, part of Exact Sciences
Classification: Uncertain significance for MSH6-related condition. Last evaluated: 2024-03-09. Review status: no assertion criteria provided. Collection method: clinical testing. Allele origin: germline. Not counted in ClinVar's aggregate classification.
Comment: The MSH6 c.2027A>G variant is predicted to result in the amino acid substitution p.Lys676Arg. This variant has been reported in individuals with breast cancer (Table S2, Tung et al. 2014. PubMed ID: 25186627; Table S4, Bhai et al. 2021. PubMed ID: 34326862; Supplemental File, Breast Cancer Association Consortium et al 2021. PubMed ID: 33471991) or pancreatic cancer (Table S1, Grant et al. 2014. PubMed ID: 25479140). In each of these reports this variant was reported along with the MSH6 c.2827G>T (p.Asp943Tyr) variant suggesting they are on the same allele. This variant is reported in 0.010% of alleles in individuals of European (Non-Finnish) descent in gnomAD and has conflicting interpretations in ClinVar of likely benign and uncertain. Although we suspect that this variant may be benign, at this time, the clinical significance of this variant is uncertain due to the absence of conclusive functional and genetic evidence.

Counsyl
Classification: Uncertain significance for Lynch syndrome 5. Last evaluated: 2016-08-23. Review status: no assertion criteria provided. Collection method: clinical testing. Allele origin: unknown. Not counted in ClinVar's aggregate classification.

Department of Pathology and Laboratory Medicine, Sinai Health System
Classification: Uncertain significance for Lynch syndrome. Review status: no assertion criteria provided. Collection method: clinical testing. Allele origin: unknown. Affected: yes. Study: The Canadian Open Genetics Repository (COGR). Not counted in ClinVar's aggregate classification.
Comment: The MSH6 p.Lys676Arg variant was identified in 1 of 580 proband chromosomes (frequency: 0.002) from individuals or families with pancreatic cancer (Grant_2015_25479140). A bioinformatics tool, CoDP (Combination of the Different Properties) integrating the prediction results of three methods (MAPP, PolyPhen-2 and SIFT) and two structural properties, found the variant did not impact the MSH6 protein (Terui_2013_23621914). The variant was also identified in dbSNP (ID: rs143643688) â€šÃ„ÃºWith Uncertain significance alleleâ€šÃ„Ã¹, ClinVar (classified as uncertain significance by Ambry Genetics, GeneDx, Invitae and Counsyl), Clinvitae (4x), and in control databases in 15 of 276506 chromosomes at a frequency of 0.00005 (Genome Aggregation Database Feb 27, 2017). Observations by population include Latino in 2 of 34392 chromosomes (freq: 0.00006), European Non-Finnish in 13 of 126094 chromosomes (freq: 0.0001); it was not observed in the African, â€šÃ„ÃºOtherâ€šÃ„Ã¹, Ashkenazi Jewish, East Asian, European Finnish, and South Asian populations. The variant was not identified in COGR, Cosmic, MutDB, UMD-LSDB, Insight Colon Cancer Gene Variant Database, Zhejiang Colon Cancer Database, Mismatch Repair Genes Variant Database, or the Insight Hereditary Tumors Database. The p.Lys676 residue is not conserved in mammals and four out of five computational analyses (PolyPhen-2, SIFT, AlignGVGD, BLOSUM, MutationTaster) do not suggest a high likelihood the Arg residue has an impact on the protein; however, this information is not predictive enough to rule out pathogenicity. The variant occurs outside of the splicing consensus sequence and 1 of 5 in silico or computational prediction software programs (SpliceSiteFinder, MaxEntScan, NNSPLICE, GeneSplicer, HumanSpliceFinder) predict a greater than 10% difference in splicing; this is not very predictive of pathogenicity. In summary, based on the above information the clinical significance of this variant cannot be determined with certainty at this time. This variant is classified as a variant of uncertain significance.

Literature cited by the submitters: PubMed 25479140 (cited by 4 submitters); PubMed 25186627 (cited by 4 submitters); PubMed 33471991 (cited by Women's Health and Genetics/Laboratory Corporation of America, LabCorp and Sema4); PubMed 34326862 (cited by Women's Health and Genetics/Laboratory Corporation of America, LabCorp); PubMed 27363726 (cited by Myriad Genetics, Inc.); PubMed 17531815 (cited by Ambry Genetics); PubMed 23621914 (cited by Ambry Genetics).